The following is an entry in ClinVar:

ClinVar aggregate classification (germline): Uncertain significance. Review status: criteria provided, multiple submitters, no conflicts (2 of 4 stars). 2 submissions from 2 submitters: Uncertain significance (2). Last evaluated 2026-01-09.

Conditions:
Inborn genetic diseases. Identifiers: MedGen C0950123, MeSH D030342.

Allele frequency attached by ClinVar (database versions not stated): ExAC 0.00001; gnomAD 0.00001; gnomAD exomes 0.00001; TOPMed 0.00001.

Submissions (2):

Labcorp Genetics (formerly Invitae), Labcorp
Classification: Uncertain significance. Last evaluated: 2026-01-09. Review status: criteria provided, single submitter. Criteria: Invitae Variant Classification Sherloc (09022015). Collection method: clinical testing. Allele origin: germline.
Comment: This sequence change replaces alanine, which is neutral and non-polar, with glutamic acid, which is acidic and polar, at codon 509 of the SLC34A3 protein (p.Ala509Glu). The frequency data for this variant in the population databases is considered unreliable, as metrics indicate poor data quality at this position in the gnomAD database. This variant has not been reported in the literature in individuals affected with SLC34A3-related conditions. ClinVar contains an entry for this variant (Variation ID: 2213262). Invitae Evidence Modeling of protein sequence and biophysical properties (such as structural, functional, and spatial information, amino acid conservation, physicochemical variation, residue mobility, and thermodynamic stability) has been performed for this missense variant. However, the output from this modeling did not meet the statistical confidence thresholds required to predict the impact of this variant on SLC34A3 protein function. In summary, the available evidence is currently insufficient to determine the role of this variant in disease. Therefore, it has been classified as a Variant of Uncertain Significance.

Ambry Genetics
Classification: Uncertain significance for Inborn genetic diseases. Last evaluated: 2025-04-13. Review status: criteria provided, single submitter. Criteria: Ambry Variant Classification Scheme 2023. Collection method: clinical testing. Allele origin: germline.

NM_001177316.2(SLC34A3):c.1526C>A (p.Ala509Glu)

Gene: SLC34A3 (solute carrier family 34 member 3; plus strand). Cytogenetic location: 9q34.3.
Variant type: single nucleotide variant.
Coding change: c.1526C>A on transcript NM_001177316.2 (MANE Select); coding-DNA position 1526, C replaced by A.
Protein change: p.Ala509Glu; replaces alanine 509 with glutamic acid.
Molecular consequence: missense variant.
Genome position (GRCh38, 1-based): chr9:137,236,142, C>A. VCF-style: chr9-137236142-C-A. GRCh37 (hg19) VCF-style: chr9-140130594-C-A.
Other names: c.1526C>A, p.Ala509Glu (NM_001177317.2, NM_080877.3); short protein forms A509E.
Identifiers: ClinVar variation 2213262 (VCV002213262.4), dbSNP rs757402919, ClinGen allele CA5364983.